The following is an entry in ClinVar:

NM_007129.5(ZIC2):c.716A>C (p.His239Pro)

Gene: ZIC2 (Zic family member 2; plus strand). Cytogenetic location: 13q32.3.
Variant type: single nucleotide variant.
Coding change: c.716A>C on transcript NM_007129.5 (MANE Select); coding-DNA position 716, A replaced by C.
Protein change: p.His239Pro; replaces histidine 239 with proline.
Molecular consequence: missense variant.
Genome position (GRCh38, 1-based): chr13:99,982,780, A>C. VCF-style: chr13-99982780-A-C. GRCh37 (hg19) VCF-style: chr13-100635034-A-C.
Other names: short protein forms H239P.
Identifiers: ClinVar variation 931600 (VCV000931600.3), dbSNP rs2053242975, ClinGen allele CA388637904.

ClinVar aggregate classification (germline): Uncertain significance (1 of 4 stars; one submission).

Conditions:
Holoprosencephaly 5 (HPE5). Identifiers: Orphanet 2162, MedGen C1864827, MONDO:0012322, OMIM 609637.

Submission:

Centre for Mendelian Genomics, University Medical Centre Ljubljana
Classification: Uncertain significance for Holoprosencephaly 5. Last evaluated: 2019-05-20. Review status: criteria provided, single submitter. Criteria: ACMG Guidelines, 2015. Collection method: clinical testing. Allele origin: unknown. Affected: yes.
Comment: This variant was classified as: Uncertain significance. The available evidence on this variant's pathogenicity is insufficient or conflicting. The following ACMG criteria were applied in classifying this variant: PM2,PP2,PP3.